The following is an entry in ClinVar:

NM_005529.7(HSPG2):c.7296A>T (p.Ala2432=)

Gene: HSPG2 (heparan sulfate proteoglycan 2; minus strand). Cytogenetic location: 1p36.12.
Variant type: single nucleotide variant.
Coding change: c.7296A>T on transcript NM_005529.7 (MANE Select); coding-DNA position 7296, A replaced by T.
Protein change: p.Ala2432=; no amino-acid change (alanine 2432 retained).
Molecular consequence: synonymous variant.
Genome position (GRCh38, 1-based): chr1:21,850,191, T>A on the plus strand (A>T on the coding strand, the complement: HSPG2 is on the minus strand). VCF-style: chr1-21850191-T-A. GRCh37 (hg19) VCF-style: chr1-22176684-T-A.
Other names: c.7299A>T, p.Ala2433= (NM_001291860.2).
Identifiers: ClinVar variation 771686 (VCV000771686.53), dbSNP rs2229485, ClinGen allele CA671234.

ClinVar aggregate classification (germline): Benign/Likely benign. Review status: criteria provided, multiple submitters, no conflicts (2 of 4 stars). 11 submissions from 10 submitters: Benign (7); Likely benign (2). 2 of the submissions do not count toward it. Last evaluated 2026-07-01.

Conditions:
Connective tissue disorder. Also called: Connective tissue disease. Identifiers: MedGen C0009782, MONDO:0003900.
Schwartz-Jampel syndrome. Also called: Myotonic myopathy dwarfism chondrodystrophy and ocular and facial abnormalities. Identifiers: Orphanet 800, MedGen C0036391, MONDO:0009717.
Lethal Kniest-like syndrome (DDSH). Also called: Dyssegmental Dysplasia. Identifiers: Orphanet 1865, MedGen C1857100, MONDO:0009140, OMIM 224410.

Allele frequency attached by ClinVar (database versions not stated): gnomAD 0.00669 and 0.00609; ExAC 0.00677; ESP Exome Variant Server 0.00738; gnomAD exomes 0.01101 and 0.00639; 1000 Genomes Project 0.00220; 1000 Genomes Project 30x 0.00234; TOPMed 0.00636.
gnomAD v4.1: 16,871 of 1,613,308 alleles (1%); highest among the groups gnomAD compares: Non-Finnish European, 1.3%; 133 homozygotes.

Submissions (11):

CeGaT Center for Human Genetics Tuebingen
Classification: Benign. Last evaluated: 2026-07-01. Review status: criteria provided, single submitter. Criteria: CeGaT Center For Human Genetics Tuebingen Variant Classification Criteria Version 2. Collection method: clinical testing. Allele origin: germline. Affected: yes. Observed: 19 variant alleles.
Comment: HSPG2: BP4, BP7, BS1, BS2

Labcorp Genetics (formerly Invitae), Labcorp
Classification: Benign. Last evaluated: 2026-01-22. Review status: criteria provided, single submitter. Criteria: Invitae Variant Classification Sherloc (09022015). Collection method: clinical testing. Allele origin: germline.

Athena Diagnostics
Classification: Benign. Last evaluated: 2024-12-30. Review status: criteria provided, single submitter. Criteria: Athena Diagnostics Criteria. Collection method: clinical testing. Allele origin: unknown.
Comment: The frequency of this variant in the general population is higher than would generally be expected for pathogenic variants in this gene.

ARUP Laboratories, Molecular Genetics and Genomics, ARUP Laboratories
Classification: Benign. Last evaluated: 2023-08-28. Review status: criteria provided, single submitter. Criteria: ARUP Molecular Germline Variant Investigation Process 2024. Collection method: clinical testing. Allele origin: germline.

Genome Diagnostics Laboratory, The Hospital for Sick Children
Classification: Benign for Connective tissue disorder. Last evaluated: 2022-04-25. Review status: criteria provided, single submitter. Criteria: ACMG Guidelines, 2015. Collection method: clinical testing. Allele origin: germline.

GeneDx
Classification: Likely benign. Last evaluated: 2021-02-18. Review status: criteria provided, single submitter. Criteria: GeneDx Variant Classification Process June 2021. Collection method: clinical testing. Allele origin: germline. Affected: yes.

Illumina Laboratory Services, Illumina
Classification: Benign for Schwartz-Jampel syndrome type 1. Last evaluated: 2018-01-13. Review status: criteria provided, single submitter. Criteria: ICSL Variant Classification Criteria 13 December 2019. Collection method: clinical testing. Allele origin: germline.
Comment: This variant was observed in the ICSL laboratory as part of a predisposition screen in an ostensibly healthy population. It had not been previously curated by ICSL or reported in the Human Gene Mutation Database (HGMD: prior to June 1st, 2018), and was therefore a candidate for classification through an automated scoring system. Utilizing variant allele frequency, disease prevalence and penetrance estimates, and inheritance mode, an automated score was calculated to assess if this variant is too frequent to cause the disease. Based on the score and internal cut-off values, a variant classified as benign is not then subjected to further curation. The score for this variant resulted in a classification of benign for this disease.

Illumina Laboratory Services, Illumina
Classification: Benign for Lethal Kniest-like syndrome. Last evaluated: 2018-01-13. Review status: criteria provided, single submitter. Criteria: ICSL Variant Classification Criteria 13 December 2019. Collection method: clinical testing. Allele origin: germline.
Comment: the same text as in the submission from Illumina Laboratory Services, Illumina above.

Breakthrough Genomics
Classification: Likely benign. Review status: criteria provided, single submitter. Criteria: ACMG Guidelines, 2015. Collection method: not provided. Allele origin: germline. Inheritance: Autosomal recessive inheritance. Affected: yes.

Genome Diagnostics Laboratory, University Medical Center Utrecht
Classification: Likely benign. Review status: no assertion criteria provided. Collection method: clinical testing. Allele origin: germline. Affected: yes. Study: VKGL Data-share Consensus. Not counted in ClinVar's aggregate classification.

Laboratory of Diagnostic Genome Analysis, Leiden University Medical Center (LUMC)
Classification: Likely benign. Review status: no assertion criteria provided. Collection method: clinical testing. Allele origin: germline. Affected: yes. Study: VKGL Data-share Consensus. Not counted in ClinVar's aggregate classification.

Literature cited by the submitters: PubMed 24769197 (cited by Athena Diagnostics); PubMed 25214167 (cited by Athena Diagnostics).